The following is an entry in ClinVar:

NM_001379500.1(COL18A1):c.2187G>A (p.Glu729=)

Gene: COL18A1 (collagen type XVIII alpha 1 chain; plus strand). Cytogenetic location: 21q22.3.
Variant type: single nucleotide variant.
Coding change: c.2187G>A on transcript NM_001379500.1 (MANE Select); coding-DNA position 2187, G replaced by A.
Protein change: p.Glu729=; no amino-acid change (glutamic acid 729 retained).
Molecular consequence: synonymous variant.
Genome position (GRCh38, 1-based): chr21:45,492,564, G>A. VCF-style: chr21-45492564-G-A. GRCh37 (hg19) VCF-style: chr21-46912478-G-A.
Other names: c.2727G>A, p.Glu909= (NM_030582.4); c.3432G>A, p.Glu1144= (NM_130444.3).
Identifiers: ClinVar variation 2017033 (VCV002017033.4), dbSNP rs2036388835, ClinGen allele CA512686595.
Genomic context (GRCh38, chr21:45,492,564, plus strand): 5'-GTTTCCGATTTTTCCTTTTGCTCGTGGACAGGGATCCGTCCTGAGCGTGCCGGGACCTGA[G>A]GTATGTGCCTGCCCAGCTTCTAAGAGACGGGCCTGCGGGGACCTGGGTACAAGGCTGGGT-3'
Protein context (NP_001366429.1, residues 719-739): DGSVLSVPGP[Glu729=]GRPGFAGFPG

ClinVar aggregate classification (germline): Uncertain significance (1 of 4 stars; one submission).

Submission:

Labcorp Genetics (formerly Invitae), Labcorp
Classification: Uncertain significance. Last evaluated: 2022-07-14. Review status: criteria provided, single submitter. Criteria: Invitae Variant Classification Sherloc (09022015). Collection method: clinical testing. Allele origin: germline.
Comment: In summary, the available evidence is currently insufficient to determine the role of this variant in disease. Therefore, it has been classified as a Variant of Uncertain Significance. Algorithms developed to predict the effect of sequence changes on RNA splicing suggest that this variant may disrupt the consensus splice site. This variant has not been reported in the literature in individuals affected with COL18A1-related conditions. This variant is not present in population databases (gnomAD no frequency). This sequence change affects codon 729 of the COL18A1 mRNA. It is a 'silent' change, meaning that it does not change the encoded amino acid sequence of the COL18A1 protein. It affects a nucleotide within the consensus splice site.